The following is an entry in ClinVar:

ClinVar aggregate classification (germline): Conflicting classifications of pathogenicity. Review status: criteria provided, conflicting classifications (1 of 4 stars). 2 submissions from 2 submitters: Uncertain significance (1); Likely benign (1). Last evaluated 2024-11-15.

Conditions:
CACNA1F-related disorder. Also called: CACNA1F-related condition.

Allele frequency attached by ClinVar (database versions not stated): gnomAD exomes 0.00001; gnomAD 0.00005; TOPMed 0.00005; ExAC 0.00011.
gnomAD v4.1: 19 of 1,178,092 alleles (0.0016%); highest among the groups gnomAD compares: East Asian, 0.038%; no homozygotes.

Submissions (2):

PreventionGenetics, part of Exact Sciences
Classification: Likely benign for CACNA1F-related condition. Last evaluated: 2024-11-15. Review status: criteria provided, single submitter. Criteria: ACMG Guidelines, 2015. Collection method: clinical testing. Allele origin: germline.
Comment: This variant is classified as likely benign based on ACMG/AMP sequence variant interpretation guidelines (Richards et al. 2015 PMID: 25741868, with internal and published modifications).

Labcorp Genetics (formerly Invitae), Labcorp
Classification: Uncertain significance. Last evaluated: 2023-09-10. Review status: criteria provided, single submitter. Criteria: Invitae Variant Classification Sherloc (09022015). Collection method: clinical testing. Allele origin: germline.
Comment: This variant has not been reported in the literature in individuals affected with CACNA1F-related conditions. This variant is present in population databases (rs781895360, gnomAD 0.07%), and has an allele count higher than expected for a pathogenic variant. This sequence change replaces alanine, which is neutral and non-polar, with valine, which is neutral and non-polar, at codon 534 of the CACNA1F protein (p.Ala534Val). ClinVar contains an entry for this variant (Variation ID: 2417653). In summary, the available evidence is currently insufficient to determine the role of this variant in disease. Therefore, it has been classified as a Variant of Uncertain Significance. Advanced modeling of protein sequence and biophysical properties (such as structural, functional, and spatial information, amino acid conservation, physicochemical variation, residue mobility, and thermodynamic stability) performed at Invitae indicates that this missense variant is not expected to disrupt CACNA1F protein function.

NM_001256789.3(CACNA1F):c.1568C>T (p.Ala523Val)

Gene: CACNA1F (calcium voltage-gated channel subunit alpha1 F; minus strand). Cytogenetic location: Xp11.23.
Variant type: single nucleotide variant.
Coding change: c.1568C>T on transcript NM_001256789.3 (MANE Select); coding-DNA position 1568, C replaced by T.
Protein change: p.Ala523Val; replaces alanine 523 with valine.
Molecular consequence: missense variant.
Genome position (GRCh38, 1-based): chrX:49,225,992, G>A on the plus strand (C>T on the coding strand, the complement: CACNA1F is on the minus strand). VCF-style: chrX-49225992-G-A. GRCh37 (hg19) VCF-style: chrX-49082454-G-A.
Other names: c.1601C>T (NM_005183.3); c.1406C>T, p.Ala469Val (NM_001256790.3); c.1601C>T, p.Ala534Val (NM_005183.4); short protein forms A469V, A523V, A534V.
Identifiers: ClinVar variation 2417653 (VCV002417653.7), dbSNP rs781895360, ClinGen allele CA10410824.